The following is an entry in ClinVar:

ClinVar aggregate classification (germline): Benign. Review status: criteria provided, multiple submitters, no conflicts (2 of 4 stars). 2 submissions from 2 submitters: Benign (2). Last evaluated 2018-06-19.

Allele frequency attached by ClinVar (database versions not stated): 1000 Genomes Project 30x 0.60681; 1000 Genomes Project 0.60823; TOPMed 0.67657; gnomAD 0.68532 and 0.68954; gnomAD exomes 0.82021.
gnomAD v4.1: 1,225,592 of 1,520,362 alleles (81%); highest among the groups gnomAD compares: Admixed American, 88%; 505,565 homozygotes.

Submissions (2):

GeneDx
Classification: Benign. Last evaluated: 2018-06-19. Review status: criteria provided, single submitter. Criteria: GeneDx Variant Classification (06012015). Collection method: clinical testing. Allele origin: germline. Affected: yes.
Comment: This variant is considered likely benign or benign based on one or more of the following criteria: it is a conservative change, it occurs at a poorly conserved position in the protein, it is predicted to be benign by multiple in silico algorithms, and/or has population frequency not consistent with disease.

Breakthrough Genomics
Classification: Benign. Review status: criteria provided, single submitter. Criteria: ACMG Guidelines, 2015. Collection method: not provided. Allele origin: germline. Inheritance: Autosomal recessive inheritance. Affected: yes.

NM_000404.4(GLB1):c.793-132T>G

Gene: GLB1 (galactosidase beta 1; minus strand). Cytogenetic location: 3p22.3.
Variant type: single nucleotide variant.
Coding change: c.793-132T>G on transcript NM_000404.4 (MANE Select); 132 bases into the intron before coding-DNA position 793, T replaced by G.
Molecular consequence: intron variant.
Genome position (GRCh38, 1-based): chr3:33,052,136, A>C on the plus strand (T>G on the coding strand, the complement: GLB1 is on the minus strand). VCF-style: chr3-33052136-A-C. GRCh37 (hg19) VCF-style: chr3-33093628-A-C.
Other names: c.793-132T>G (NM_001393580.1); c.400-132T>G (NM_001135602.3); c.937-132T>G (NM_001317040.2); c.703-132T>G (NM_001079811.3).
Identifiers: ClinVar variation 678118 (VCV000678118.2), dbSNP rs6550200, ClinGen allele CA11497758.
Genomic context (GRCh38, chr3:33,052,136, plus strand): 5'-CCCCATCTATGACAGGTGTAAAGGGGGTTGACATGCTGACATGCACTGCTTAACCCAGAG[A>C]CGCCCCCCAGTGAGCACTTCCAATACCAGCAATGCCTATGTTCAGTCCTCAGGTTCTAAC-3'